The following is an entry in ClinVar:

NM_015122.3(FCHO1):c.1688G>A (p.Arg563Lys)

Gene: FCHO1 (FCH and mu domain containing endocytic adaptor 1; plus strand). Cytogenetic location: 19p13.11.
Variant type: single nucleotide variant.
Coding change: c.1688G>A on transcript NM_015122.3 (MANE Select); coding-DNA position 1688, G replaced by A.
Protein change: p.Arg563Lys; replaces arginine 563 with lysine.
Molecular consequence: missense variant. On other transcripts: non-coding transcript variant (36).
Genome position (GRCh38, 1-based): chr19:17,781,291, G>A. VCF-style: chr19-17781291-G-A. GRCh37 (hg19) VCF-style: chr19-17892100-G-A.
Other names: c.1688G>A, p.Arg563Lys (NM_001161357.2, NM_001161358.2, NM_001384370.1 and 13 more transcripts); c.1538G>A, p.Arg513Lys (NM_001161359.2, NM_001384384.1, NM_001384385.1 and 1 more transcripts); c.1649G>A, p.Arg550Lys (NM_001384388.1, NM_001384389.1, NM_001384405.1); c.1613G>A, p.Arg538Lys (NM_001384390.1); c.1571G>A, p.Arg524Lys (NM_001384392.1, NM_001384393.1, NM_001384394.1 and 1 more transcripts); c.1412G>A, p.Arg471Lys (NM_001384396.1, NM_001384397.1, NM_001384398.1 and 5 more transcripts); c.1367G>A, p.Arg456Lys (NM_001384403.1); c.1262G>A, p.Arg421Lys (NM_001384406.1); and 1 more; short protein forms R471K, R524K, R373K, R538K, R563K, R421K, R456K, R550K.
Identifiers: ClinVar variation 1987537 (VCV001987537.1), dbSNP rs769532665, ClinGen allele CA9300583.

ClinVar aggregate classification (germline): Uncertain significance (1 of 4 stars; one submission).

Allele frequency attached by ClinVar (database versions not stated): ExAC 0.00001; gnomAD 0.00001; gnomAD exomes 0.00001; TOPMed 0.00004.
gnomAD v4.1: 8 of 1,613,966 alleles (0.0005%); highest among the groups gnomAD compares: Admixed American, 0.005%; no homozygotes.

Submission:

Labcorp Genetics (formerly Invitae), Labcorp
Classification: Uncertain significance. Last evaluated: 2022-09-27. Review status: criteria provided, single submitter. Criteria: Invitae Variant Classification Sherloc (09022015). Collection method: clinical testing. Allele origin: germline.
Comment: This sequence change replaces arginine, which is basic and polar, with lysine, which is basic and polar, at codon 563 of the FCHO1 protein (p.Arg563Lys). This variant is present in population databases (rs769532665, gnomAD 0.009%). This variant has not been reported in the literature in individuals affected with FCHO1-related conditions. Algorithms developed to predict the effect of missense changes on protein structure and function output the following: SIFT: "Tolerated"; PolyPhen-2: "Benign"; Align-GVGD: "Class C0". The lysine amino acid residue is found in multiple mammalian species, which suggests that this missense change does not adversely affect protein function. In summary, the available evidence is currently insufficient to determine the role of this variant in disease. Therefore, it has been classified as a Variant of Uncertain Significance.